The following is an entry in ClinVar:

NM_001378183.1(PIEZO2):c.2414T>C (p.Leu805Pro)

Gene: PIEZO2 (piezo type mechanosensitive ion channel component 2; minus strand). Cytogenetic location: 18p11.22.
Variant type: single nucleotide variant.
Coding change: c.2414T>C on transcript NM_001378183.1 (MANE Select); coding-DNA position 2414, T replaced by C.
Protein change: p.Leu805Pro; replaces leucine 805 with proline.
Molecular consequence: missense variant.
Genome position (GRCh38, 1-based): chr18:10,784,862, A>G on the plus strand (T>C on the coding strand, the complement: PIEZO2 is on the minus strand). VCF-style: chr18-10784862-A-G. GRCh37 (hg19) VCF-style: chr18-10784860-A-G.
Other names: c.2414T>C, p.Leu805Pro (NM_022068.4); short protein forms L805P.
Identifiers: ClinVar variation 1305252 (VCV001305252.2), dbSNP rs761844949, ClinGen allele CA295999847.

ClinVar aggregate classification (germline): Uncertain significance (1 of 4 stars; one submission).

Allele frequency attached by ClinVar (database versions not stated): gnomAD exomes below 0.00001.
gnomAD v4.1: 2 of 1,537,770 alleles (0.00013%); highest among the groups gnomAD compares: Non-Finnish European, 0.00017%; no homozygotes.

Submission:

GeneDx
Classification: Uncertain significance. Last evaluated: 2020-09-30. Review status: criteria provided, single submitter. Criteria: GeneDx Variant Classification Process June 2021. Collection method: clinical testing. Allele origin: germline. Affected: yes.
Comment: Not observed in large population cohorts (Lek et al., 2016); In silico analysis, which includes protein predictors and evolutionary conservation, supports a deleterious effect; Has not been previously published as pathogenic or benign to our knowledge